The following is an entry in ClinVar:

ClinVar aggregate classification (germline): Pathogenic (1 of 4 stars; one submission).

Conditions:
Primary ciliary dyskinesia. Also called: Ciliary dyskinesia. Identifiers: Orphanet 244, MedGen C0008780, MONDO:0016575, HP:0012265.

Submission:

Labcorp Genetics (formerly Invitae), Labcorp
Classification: Pathogenic for Primary ciliary dyskinesia. Last evaluated: 2022-01-18. Review status: criteria provided, single submitter. Criteria: Invitae Variant Classification Sherloc (09022015). Collection method: clinical testing. Allele origin: germline.
Comment: This variant has not been reported in the literature in individuals affected with DNAH5-related conditions. This variant is not present in population databases (gnomAD no frequency). This sequence change creates a premature translational stop signal (p.Tyr1430*) in the DNAH5 gene. It is expected to result in an absent or disrupted protein product. Loss-of-function variants in DNAH5 are known to be pathogenic (PMID: 11788826, 16627867). For these reasons, this variant has been classified as Pathogenic.

Literature cited by the submitters: PubMed 11788826; PubMed 16627867.

NM_001369.3(DNAH5):c.4290T>A (p.Tyr1430Ter)

Genes: DNAH5 (dynein axonemal heavy chain 5; minus strand), DNAH5-AS1 (DNAH5 antisense RNA 1; plus strand). Cytogenetic location: 5p15.2.
Variant type: single nucleotide variant.
Coding change: c.4290T>A on transcript NM_001369.3 (MANE Select); coding-DNA position 4290, T replaced by A.
Protein change: p.Tyr1430Ter; replaces tyrosine 1430 with a stop codon.
Molecular consequence: nonsense.
Genome position (GRCh38, 1-based): chr5:13,865,733, A>T on the plus strand (T>A on the coding strand, the complement: DNAH5 is on the minus strand). VCF-style: chr5-13865733-A-T. GRCh37 (hg19) VCF-style: chr5-13865842-A-T.
Other names: short protein forms Y1430*.
Identifiers: ClinVar variation 2087517 (VCV002087517.4), dbSNP rs1769147841, ClinGen allele CA359224756.